The following is an entry in ClinVar:

ClinVar aggregate classification (germline): Uncertain significance. Review status: criteria provided, multiple submitters, no conflicts (2 of 4 stars). 2 submissions from 2 submitters: Uncertain significance (2). Last evaluated 2024-09-09.

Conditions:
Immunodeficiency 60. Also called: IMMUNODEFICIENCY AND AUTOIMMUNITY, BACH2-RELATED; IMMUNODEFICIENCY 60 AND AUTOIMMUNITY. Identifiers: MedGen C5193072, MONDO:0032723, OMIM 618394.

Submissions (2):

3billion
Classification: Uncertain significance for Immunodeficiency 60. Last evaluated: 2024-09-09. Review status: criteria provided, single submitter. Criteria: ACMG Guidelines, 2015. Collection method: clinical testing. Allele origin: germline. Affected: yes.
Comment: The variant is not observed in the gnomAD v4.0.0 dataset. Predicted Consequence/Location: Missense variant. Missense changes are a common disease-causing mechanism. In silico tool predictions suggest no damaging effect of the variant on gene or gene product [REVEL: 0.10 (<0.4); 3Cnet: 0.00 (<0.15, specificity 0.78 and negative predictive value 0.92)]. The variant has been reported as of uncertain significance (ClinVar ID: VCV002873925) Therefore, this variant is classified as VUS according to the recommendation of ACMG/AMP guideline.

Labcorp Genetics (formerly Invitae), Labcorp
Classification: Uncertain significance. Last evaluated: 2023-04-08. Review status: criteria provided, single submitter. Criteria: Invitae Variant Classification Sherloc (09022015). Collection method: clinical testing. Allele origin: germline.
Comment: Advanced modeling of protein sequence and biophysical properties (such as structural, functional, and spatial information, amino acid conservation, physicochemical variation, residue mobility, and thermodynamic stability) performed at Invitae indicates that this missense variant is not expected to disrupt BACH2 protein function. This sequence change replaces glutamine, which is neutral and polar, with lysine, which is basic and polar, at codon 578 of the BACH2 protein (p.Gln578Lys). This variant is not present in population databases (gnomAD no frequency). This variant has not been reported in the literature in individuals affected with BACH2-related conditions. In summary, the available evidence is currently insufficient to determine the role of this variant in disease. Therefore, it has been classified as a Variant of Uncertain Significance.

NM_021813.4(BACH2):c.1732C>A (p.Gln578Lys)

Gene: BACH2 (BACH transcriptional regulator 2; minus strand). Cytogenetic location: 6q15.
Variant type: single nucleotide variant.
Coding change: c.1732C>A on transcript NM_021813.4 (MANE Select); coding-DNA position 1732, C replaced by A.
Protein change: p.Gln578Lys; replaces glutamine 578 with lysine.
Molecular consequence: missense variant.
Genome position (GRCh38, 1-based): chr6:89,950,374, G>T on the plus strand (C>A on the coding strand, the complement: BACH2 is on the minus strand). VCF-style: chr6-89950374-G-T. GRCh37 (hg19) VCF-style: chr6-90660093-G-T.
Other names: c.1732C>A, p.Gln578Lys (NM_001170794.2); short protein forms Q578K.
Identifiers: ClinVar variation 2873925 (VCV002873925.4), dbSNP rs2533564563, ClinGen allele CA365070205.